The following is an entry in ClinVar:

NM_001368809.2(AMPD2):c.928G>A (p.Ala310Thr)

Gene: AMPD2 (adenosine monophosphate deaminase 2; plus strand). Cytogenetic location: 1p13.3.
Variant type: single nucleotide variant.
Coding change: c.928G>A on transcript NM_001368809.2 (MANE Select); coding-DNA position 928, G replaced by A.
Protein change: p.Ala310Thr; replaces alanine 310 with threonine.
Molecular consequence: missense variant.
Genome position (GRCh38, 1-based): chr1:109,627,496, G>A. VCF-style: chr1-109627496-G-A. GRCh37 (hg19) VCF-style: chr1-110170118-G-A.
Other names: c.1090G>A (NM_001257360.1); c.736G>A, p.Ala246Thr (NM_001257361.2); c.865G>A, p.Ala289Thr (NM_001308170.1); c.928G>A, p.Ala310Thr (NM_004037.9); c.847G>A, p.Ala283Thr (NM_139156.4); short protein forms A283T, A246T, A289T, A310T.
Identifiers: ClinVar variation 1027846 (VCV001027846.4), dbSNP rs747438024, ClinGen allele CA992967.
Genomic context (GRCh38, chr1:109,627,496, plus strand): 5'-GAGGTGGAGCTGCCATACCCTGACCTGCAGGAATTTGTGGCTGACGTCAATGTGCTGATG[G>A]CCCTGATTATCAATGGCCCCATGTGAGTCCCCTGCCATCCCAGACACTTAGCTCCCCTCC-3'
Protein context (NP_001355738.1, residues 300-320): EFVADVNVLM[Ala310Thr]LIINGPIKSF

ClinVar aggregate classification (germline): Uncertain significance. Review status: criteria provided, multiple submitters, no conflicts (2 of 4 stars). 4 submissions from 3 submitters: Uncertain significance (4). Last evaluated 2023-04-11.

Conditions:
Pontocerebellar hypoplasia type 9. Identifiers: Orphanet 369920, MedGen C4014354, MONDO:0014351, OMIM 615809.
Hereditary spastic paraplegia 63. Also called: Spastic paraplegia 63, autosomal recessive. Identifiers: Orphanet 401805, MedGen C3810295, MONDO:0014305, OMIM 615686.

Allele frequency attached by ClinVar (database versions not stated): TOPMed below 0.00001; ExAC 0.00002; gnomAD exomes 0.00002.

Submissions (4):

Genome-Nilou Lab
Classification: Uncertain significance for Hereditary spastic paraplegia 63. Last evaluated: 2023-04-11. Review status: criteria provided, single submitter. Criteria: ACMG Guidelines, 2015. Collection method: clinical testing. Allele origin: germline. Affected: no.

Genome-Nilou Lab
Classification: Uncertain significance for Pontocerebellar hypoplasia type 9. Last evaluated: 2023-04-11. Review status: criteria provided, single submitter. Criteria: ACMG Guidelines, 2015. Collection method: clinical testing. Allele origin: germline. Affected: no.

Labcorp Genetics (formerly Invitae), Labcorp
Classification: Uncertain significance for Pontocerebellar hypoplasia type 9; Hereditary spastic paraplegia 63. Last evaluated: 2021-09-15. Review status: criteria provided, single submitter. Criteria: Invitae Variant Classification Sherloc (09022015). Collection method: clinical testing. Allele origin: germline.
Comment: This sequence change replaces alanine with threonine at codon 364 of the AMPD2 protein (p.Ala364Thr). The alanine residue is highly conserved and there is a small physicochemical difference between alanine and threonine. This variant is present in population databases (rs747438024, ExAC 0.004%). This variant has not been reported in the literature in individuals affected with AMPD2-related conditions. ClinVar contains an entry for this variant (Variation ID: 1027846). Algorithms developed to predict the effect of missense changes on protein structure and function (SIFT, PolyPhen-2, Align-GVGD) all suggest that this variant is likely to be tolerated. In summary, the available evidence is currently insufficient to determine the role of this variant in disease. Therefore, it has been classified as a Variant of Uncertain Significance.

Baylor Genetics
Classification: Uncertain significance for Hereditary spastic paraplegia 63. Last evaluated: 2019-12-27. Review status: criteria provided, single submitter. Criteria: ACMG Guidelines, 2015. Collection method: clinical testing. Allele origin: unknown. Affected: yes.
Comment: This variant was determined to be of uncertain significance according to ACMG Guidelines, 2015 [PMID:25741868].